The following is an entry in ClinVar:

NM_021224.6(ZNF462):c.6636C>T (p.Asp2212=)

Gene: ZNF462 (zinc finger protein 462; plus strand). Cytogenetic location: 9q31.2.
Variant type: single nucleotide variant.
Coding change: c.6636C>T on transcript NM_021224.6 (MANE Select); coding-DNA position 6636, C replaced by T.
Protein change: p.Asp2212=; no amino-acid change (aspartic acid 2212 retained).
Molecular consequence: synonymous variant.
Genome position (GRCh38, 1-based): chr9:106,972,213, C>T. VCF-style: chr9-106972213-C-T. GRCh37 (hg19) VCF-style: chr9-109734494-C-T.
Other names: c.4041C>T, p.Asp1347= (NM_001347997.2).
Identifiers: ClinVar variation 3034418 (VCV003034418.12), dbSNP rs192855171, ClinGen allele CA5172273.

ClinVar aggregate classification (germline): Likely benign. Review status: criteria provided, single submitter (1 of 4 stars). 2 submissions from 2 submitters: Likely benign (1). 1 of the submissions does not count toward it. Last evaluated 2025-05-01.

Conditions:
ZNF462-related disorder. Also called: ZNF462-related condition; ZNF462 related disease.

Allele frequency attached by ClinVar (database versions not stated): gnomAD exomes 0.00014; TOPMed 0.00028; gnomAD 0.00035; ExAC 0.00066; 1000 Genomes Project 30x 0.00141; 1000 Genomes Project 0.00180.

Submissions (2):

CeGaT Center for Human Genetics Tuebingen
Classification: Likely benign. Last evaluated: 2025-05-01. Review status: criteria provided, single submitter. Criteria: CeGaT Center For Human Genetics Tuebingen Variant Classification Criteria Version 2. Collection method: clinical testing. Allele origin: germline. Affected: yes. Observed: 1 variant allele.
Comment: ZNF462: BP4, BP7, BS1

PreventionGenetics, part of Exact Sciences
Classification: Likely benign for ZNF462-related condition. Last evaluated: 2024-04-17. Review status: no assertion criteria provided. Collection method: clinical testing. Allele origin: germline. Not counted in ClinVar's aggregate classification.
Comment: This variant is classified as likely benign based on ACMG/AMP sequence variant interpretation guidelines (Richards et al. 2015 PMID: 25741868, with internal and published modifications).